The following is an entry in ClinVar:

ClinVar aggregate classification (germline): Likely benign. Review status: criteria provided, multiple submitters, no conflicts (2 of 4 stars). 3 submissions from 3 submitters: Likely benign (3). Last evaluated 2025-11-26.

Conditions:
Finnish type amyloidosis. Also called: AMYLOIDOSIS, HEREDITARY SYSTEMIC 4, FINNISH TYPE; Amyloidosis, familial, Finnish type; Meretoja type amyloidosis; Amyloidosis 5; Lattice corneal dystrophy associated with familial systemic amyloidosis; Meretoja's syndrome. Identifiers: Orphanet 85448, MedGen C1622345, MONDO:0007097, OMIM 105120.

Allele frequency attached by ClinVar (database versions not stated): ExAC 0.00003; TOPMed 0.00008; gnomAD 0.00009.
gnomAD v4.1: 127 of 1,613,104 alleles (0.0079%); highest among the groups gnomAD compares: Non-Finnish European, 0.0097%; no homozygotes.

Submissions (3):

Labcorp Genetics (formerly Invitae), Labcorp
Classification: Likely benign. Last evaluated: 2025-11-26. Review status: criteria provided, single submitter. Criteria: Invitae Variant Classification Sherloc (09022015). Collection method: clinical testing. Allele origin: germline.

Mayo Clinic Laboratories, Mayo Clinic
Classification: Likely benign. Last evaluated: 2025-02-10. Review status: criteria provided, single submitter. Criteria: ACMG Guidelines, 2015. Collection method: clinical testing. Allele origin: germline. Observed: 2 variant alleles.
Comment: BP4, BP7

Fulgent Genetics
Classification: Likely benign for Finnish type amyloidosis. Last evaluated: 2022-01-29. Review status: criteria provided, single submitter. Criteria: ACMG Guidelines, 2015. Collection method: clinical testing. Allele origin: unknown.

NM_198252.3(GSN):c.741C>T (p.Ala247=)

Gene: GSN (gelsolin; plus strand). Cytogenetic location: 9q33.2.
Variant type: single nucleotide variant.
Coding change: c.741C>T on transcript NM_198252.3 (MANE Select); coding-DNA position 741, C replaced by T.
Protein change: p.Ala247=; no amino-acid change (alanine 247 retained).
Molecular consequence: synonymous variant.
Genome position (GRCh38, 1-based): chr9:121,314,011, C>T. VCF-style: chr9-121314011-C-T. GRCh37 (hg19) VCF-style: chr9-124076289-C-T.
Other names: p.Ala298=; c.894C>T, p.Ala298= (NM_000177.5); c.741C>T, p.Ala247= (NM_001127662.2, NM_001127664.2, NM_001127665.2 and 10 more transcripts); c.849C>T, p.Ala283= (NM_001127663.2); c.774C>T, p.Ala258= (NM_001127666.2, NM_001127667.2, NM_001353063.2 and 13 more transcripts); c.792C>T, p.Ala264= (NM_001258029.2); c.765C>T, p.Ala255= (NM_001258030.2); c.813C>T, p.Ala271= (NM_001353076.2); and 1 more.
Identifiers: ClinVar variation 1597987 (VCV001597987.10), dbSNP rs751823302, ClinGen allele CA5221015.
Genomic context (GRCh38, chr9:121,314,011, plus strand): 5'-GGCTCTGCCTGCAGGTACCGAGGACACCGCCAAGGAGGATGCGGCCAACCGCAAGCTGGC[C>T]AAGCTCTACAAGGTGAGCACCAGATGCACTGTCTGCCTGGGCATGGGGTCAGGACAGGGA-3'
Protein context (NP_937895.1, residues 237-257): AKEDAANRKL[Ala247=]KLYKVSNGAG